The following is an entry in ClinVar:

NM_001042492.3(NF1):c.6705-19G>A

Gene: NF1 (neurofibromin 1; plus strand). Cytogenetic location: 17q11.2.
Variant type: single nucleotide variant.
Coding change: c.6705-19G>A on transcript NM_001042492.3 (MANE Select); 19 bases into the intron before coding-DNA position 6705, G replaced by A.
Molecular consequence: intron variant.
Genome position (GRCh38, 1-based): chr17:31,338,006, G>A. VCF-style: chr17-31338006-G-A. GRCh37 (hg19) VCF-style: chr17-29665024-G-A.
Other names: c.6642-19G>A (NM_000267.4).
Identifiers: ClinVar variation 1905096 (VCV001905096.6), dbSNP rs2151557963, ClinGen allele CA2580093130.

ClinVar aggregate classification (germline): Likely benign. Review status: criteria provided, multiple submitters, no conflicts (2 of 4 stars). 2 submissions from 2 submitters: Likely benign (2). Last evaluated 2026-05-13.

Conditions:
Neurofibromatosis, type 1 (NF1). Also called: Neurofibromatosis, type I; NEUROFIBROMATOSIS, TYPE I, SOMATIC; Peripheral type neurofibromatosis; VON RECKLINGHAUSEN DISEASE. Identifiers: Orphanet 636, MedGen C0027831, MONDO:0018975, OMIM 162200. Disease mechanism: loss of function.

Submissions (2):

Myriad Genetics, Inc.
Classification: Likely benign for Neurofibromatosis, type 1. Last evaluated: 2026-05-13. Review status: criteria provided, single submitter. Criteria: Myriad Autosomal Dominant, Autosomal Recessive and X-Linked Classification Criteria (2023). Collection method: clinical testing. Allele origin: unknown.
Comment: This variant is considered likely benign. This variant is intronic and is not expected to impact mRNA splicing.

Labcorp Genetics (formerly Invitae), Labcorp
Classification: Likely benign for Neurofibromatosis, type 1. Last evaluated: 2022-05-21. Review status: criteria provided, single submitter. Criteria: Invitae Variant Classification Sherloc (09022015). Collection method: clinical testing. Allele origin: germline.